The following is an entry in ClinVar:

NM_001267550.2(TTN):c.6548TTG[1] (p.Val2184del)

Gene: TTN (titin; minus strand). Cytogenetic location: 2q31.2.
Variant type: Microsatellite.
Coding change: c.6548TTG[1] on transcript NM_001267550.2 (MANE Select); one copy of the 3-base unit TTG starting at c.6548; the reference has two copies in a row; one copy, 3 bases deleted.
Protein change: p.Val2184del; deletes valine 2184.
Molecular consequence: inframe deletion.
Genome position (GRCh38, 1-based): chr2:178,775,158-178,775,160, CAA deleted on the plus strand (TTG on the coding strand, the reverse complement: TTN is on the minus strand); deleting any 3 consecutive bases within chr2:178,775,158-178,775,165 gives the same sequence; the position shown is the placement nearest the transcript's 3' end. VCF-style (leftmost placement, unchanged base first): chr2-178775157-GCAA-G. GRCh37 (hg19) VCF-style: chr2-179639884-GCAA-G.
Other names: c.6410TTG[1], p.Val2138del (NM_133432.3, NM_133437.4, NM_003319.4); c.6548TTG[1], p.Val2184del (NM_001256850.1, NM_133378.4, NM_133379.5); short protein forms V2138del, V2184del.
Identifiers: ClinVar variation 4875312 (VCV004875312.2).

ClinVar aggregate classification (germline): Uncertain significance (1 of 4 stars; one submission).

Submission:

CeGaT Center for Human Genetics Tuebingen
Classification: Uncertain significance. Last evaluated: 2026-06-01. Review status: criteria provided, single submitter. Criteria: CeGaT Center For Human Genetics Tuebingen Variant Classification Criteria Version 2. Collection method: clinical testing. Allele origin: germline. Affected: yes. Observed: 1 variant allele.
Comment: TTN: PM2, PM4:Supporting